The following is an entry in ClinVar:

NM_001363118.2(SLC52A2):c.155C>T (p.Ser52Phe)

Gene: SLC52A2 (solute carrier family 52 member 2; plus strand). Cytogenetic location: 8q24.3.
Variant type: single nucleotide variant.
Coding change: c.155C>T on transcript NM_001363118.2 (MANE Select); coding-DNA position 155, C replaced by T.
Protein change: p.Ser52Phe; replaces serine 52 with phenylalanine.
Molecular consequence: missense variant. On other transcripts: non-coding transcript variant (1), intron variant (1).
Genome position (GRCh38, 1-based): chr8:144,359,647, C>T. VCF-style: chr8-144359647-C-T. GRCh37 (hg19) VCF-style: chr8-145583307-C-T.
Other names: c.155C>T, p.Ser52Phe (NM_001253815.2, NM_001253816.2, NM_001363120.2 and 2 more transcripts); c.130+224C>T (NM_001363122.2); short protein forms S52F.
Identifiers: ClinVar variation 40231 (VCV000040231.6), dbSNP rs397514657, ClinGen allele CA343825.

ClinVar aggregate classification (germline): Pathogenic. Review status: criteria provided, single submitter (1 of 4 stars). 3 submissions from 3 submitters: Pathogenic (1). 2 of the submissions do not count toward it. Last evaluated 2025-09-16.

Conditions:
Brown-Vialetto-van Laere syndrome 2. Also called: Riboflavin transporter deficiency type 2; SPINOCEREBELLAR ATAXIA WITH BLINDNESS AND DEAFNESS 2. Identifiers: Orphanet 572543, Orphanet 97229, MedGen C3553538, MONDO:0013867, OMIM 614707.

Allele frequency attached by ClinVar (database versions not stated): gnomAD 0.00001; gnomAD exomes 0.00002; TOPMed 0.00003.
gnomAD v4.1: 27 of 1,613,764 alleles (0.0017%); highest among the groups gnomAD compares: Non-Finnish European, 0.0021%; no homozygotes.

Submissions (3):

GeneDx
Classification: Pathogenic. Last evaluated: 2025-09-16. Review status: criteria provided, single submitter. Criteria: GeneDx Variant Classification Process June 2021. Collection method: clinical testing. Allele origin: germline. Affected: yes.
Comment: Published functional studies demonstrate a damaging effect with this variant resulting in impaired riboflavin transport activity (PMID: 34428344); Not observed at significant frequency in large population cohorts (gnomAD); In silico analysis supports that this missense variant has a deleterious effect on protein structure/function; This variant is associated with the following publications: (PMID: 23243084, 33468503, 32855765, 38278809, 40307217, 34428344)

OMIM
Classification: Pathogenic for BROWN-VIALETTO-VAN LAERE SYNDROME 2. Last evaluated: 2013-02-01. Review status: no assertion criteria provided. Collection method: literature only. Allele origin: germline. Not counted in ClinVar's aggregate classification.

GeneReviews
No classification provided. Condition: Brown-Vialetto-van Laere syndrome 2. Review status: no classification provided. Collection method: literature only. Allele origin: germline. Affected: yes. Not counted in ClinVar's aggregate classification.

Literature cited by the submitters: PubMed 23243084 (cited by OMIM); PubMed 22824638 (cited by GeneReviews); NCBI Bookshelf NBK299312 (cited by GeneReviews).